The following is an entry in ClinVar:

NM_002691.4(POLD1):c.2905A>G (p.Ile969Val)

Gene: POLD1 (DNA polymerase delta 1, catalytic subunit; plus strand). Cytogenetic location: 19q13.33.
Variant type: single nucleotide variant.
Coding change: c.2905A>G on transcript NM_002691.4 (MANE Select); coding-DNA position 2905, A replaced by G.
Protein change: p.Ile969Val; replaces isoleucine 969 with valine.
Molecular consequence: missense variant. On other transcripts: non-coding transcript variant (1).
Genome position (GRCh38, 1-based): chr19:50,416,480, A>G. VCF-style: chr19-50416480-A-G. GRCh37 (hg19) VCF-style: chr19-50919737-A-G.
Other names: c.2905A>G, p.Ile969Val (NM_001256849.1); c.2983A>G, p.Ile995Val (NM_001308632.1); short protein forms I969V, I995V.
Identifiers: ClinVar variation 3308275 (VCV003308275.1).

ClinVar aggregate classification (germline): Uncertain significance (1 of 4 stars; one submission).

Conditions:
Hereditary cancer-predisposing syndrome. Also called: Tumor predisposition; Hereditary Cancer Syndrome; Hereditary neoplastic syndrome; Neoplastic Syndromes, Hereditary. Identifiers: Orphanet 140162, MedGen C0027672, MeSH D009386, MONDO:0015356.

gnomAD v4.1: 2 of 1,551,678 alleles (0.00013%); highest among the groups gnomAD compares: Non-Finnish European, 0.00017%; no homozygotes.

Submission:

Ambry Genetics
Classification: Uncertain significance for Hereditary cancer-predisposing syndrome. Last evaluated: 2024-03-15. Review status: criteria provided, single submitter. Criteria: Ambry Variant Classification Scheme 2023. Collection method: clinical testing. Allele origin: germline.
Comment: The p.I969V variant (also known as c.2905A>G), located in coding exon 22 of the POLD1 gene, results from an A to G substitution at nucleotide position 2905. The isoleucine at codon 969 is replaced by valine, an amino acid with highly similar properties. This amino acid position is conserved. In addition, this alteration is predicted to be tolerated by in silico analysis. Based on the available evidence, the clinical significance of this alteration remains unclear.